The following is an entry in ClinVar:

ClinVar aggregate classification (germline): Conflicting classifications of pathogenicity. Review status: criteria provided, conflicting classifications (1 of 4 stars). 3 submissions from 3 submitters: Uncertain significance (1); Likely benign (2). Last evaluated 2024-12-06.

Conditions:
Hereditary cancer-predisposing syndrome. Also called: Neoplastic Syndromes, Hereditary; Tumor predisposition; Hereditary Cancer Syndrome; Hereditary neoplastic syndrome. Identifiers: Orphanet 140162, MedGen C0027672, MeSH D009386, MONDO:0015356.

gnomAD v4.1: 10 of 1,609,128 alleles (0.00062%); highest among the groups gnomAD compares: Non-Finnish European, 0.00085%; no homozygotes.

Submissions (3):

Ambry Genetics
Classification: Likely benign for Hereditary cancer-predisposing syndrome. Last evaluated: 2024-12-06. Review status: criteria provided, single submitter. Criteria: Ambry Variant Classification Scheme 2023. Collection method: clinical testing. Allele origin: germline.

Color Diagnostics, LLC DBA Color Health
Classification: Uncertain significance for Hereditary cancer-predisposing syndrome. Last evaluated: 2023-12-05. Review status: criteria provided, single submitter. Criteria: ACMG Guidelines, 2015. Collection method: clinical testing. Allele origin: germline.
Comment: This missense variant replaces proline with alanine at codon 2114 of the BRCA2 protein. Computational prediction tools and conservation analyses suggest that this variant may not impact the protein function. Computational splicing tools suggest that this variant may not impact RNA splicing. To our knowledge, functional assays have not been performed for this variant nor has this variant been reported in individuals affected with hereditary cancer in the literature. This variant has not been identified in the general population by the Genome Aggregation Database (gnomAD). Available evidence is insufficient to determine the role of this variant in disease conclusively. Therefore, this variant is classified as a Variant of Uncertain Significance.

University of Washington Department of Laboratory Medicine, University of Washington
Classification: Likely benign for Hereditary cancer-predisposing syndrome. Last evaluated: 2023-03-23. Review status: criteria provided, single submitter. Criteria: Dines et al. (Genet Med. 2020). Collection method: curation. Allele origin: germline.
Comment: Missense variant in a coldspot region where missense variants are very unlikely to be pathogenic (PMID:31911673).

BRCA2 exon 11 coldspot. Reclassification based on statistical prior probability.

NM_000059.4(BRCA2):c.6340C>G (p.Pro2114Ala)

Gene: BRCA2 (BRCA2 DNA repair associated; plus strand). Cytogenetic location: 13q13.1.
Variant type: single nucleotide variant.
Coding change: c.6340C>G on transcript NM_000059.4 (MANE Select); coding-DNA position 6340, C replaced by G.
Protein change: p.Pro2114Ala; replaces proline 2114 with alanine.
Molecular consequence: missense variant.
Genome position (GRCh38, 1-based): chr13:32,340,695, C>G. VCF-style: chr13-32340695-C-G. GRCh37 (hg19) VCF-style: chr13-32914832-C-G.
Other names: short protein forms P2114A.
Identifiers: ClinVar variation 926614 (VCV000926614.8), dbSNP rs2072552879, ClinGen allele CA387789103.